The following is an entry in ClinVar:

NM_024580.6(EFL1):c.440A>T (p.Lys147Met)

Gene: EFL1 (elongation factor like GTPase 1; minus strand). Cytogenetic location: 15q25.2.
Variant type: single nucleotide variant.
Coding change: c.440A>T on transcript NM_024580.6 (MANE Select); coding-DNA position 440, A replaced by T.
Protein change: p.Lys147Met; replaces lysine 147 with methionine.
Molecular consequence: missense variant. On other transcripts: 5 prime UTR variant (1), non-coding transcript variant (1).
Genome position (GRCh38, 1-based): chr15:82,240,494, T>A on the plus strand (A>T on the coding strand, the complement: EFL1 is on the minus strand). VCF-style: chr15-82240494-T-A. GRCh37 (hg19) VCF-style: chr15-82532835-T-A.
Other names: NR_136410.2:n.580A>T; c.287A>T, p.Lys96Met (NM_001040610.3); c.-350A>T (NM_001322844.2); c.440A>T, p.Lys147Met (NM_001322845.2); short protein forms K147M, K96M.
Identifiers: ClinVar variation 3776975 (VCV003776975.1).

ClinVar aggregate classification (germline): Uncertain significance (1 of 4 stars; one submission).

Conditions:
Shwachman syndrome. Also called: Shwachman-Diamond Syndrome; PANCREATIC INSUFFICIENCY AND BONE MARROW DYSFUNCTION; SHWACHMAN-BODIAN SYNDROME. Identifiers: Orphanet 811, MedGen C0272170, MONDO:0009833.

gnomAD v4.1: 2 of 1,613,864 alleles (0.00012%); highest among the groups gnomAD compares: African/African-American, 0.0027%; no homozygotes.

Submission:

Broad Center for Mendelian Genomics, Broad Institute of MIT and Harvard
Classification: Uncertain significance for Shwachman syndrome. Last evaluated: 2025-01-10. Review status: criteria provided, single submitter. Criteria: ACMG Guidelines, 2015. Collection method: curation. Allele origin: germline. Inheritance: Autosomal recessive inheritance.
Comment: The p.Lys147Met variant in EFL1 has not been previously reported in individuals with Shwachman-Diamond syndrome, but has been identified in 0.005% (2/41448) of African/African American chromosomes by the Genome Aggregation Database (gnomAD; dbSNP rs372431066). Although this variant has been seen in the general population in a heterozygous state, its frequency is low enough to be consistent with a recessive carrier frequency. Computational prediction tools and conservation analyses suggest that this variant may impact the protein, though this information is not predictive enough to determine pathogenicity. Furthermore, although this gene has been reported in association with Shwachman-Diamond syndrome, it currently has moderate evidence for these associations. In summary, the clinical significance of the p.Lys147Met variant is uncertain.